The following is an entry in ClinVar:

ClinVar aggregate classification (germline): Uncertain significance. Review status: criteria provided, multiple submitters, no conflicts (2 of 4 stars). 2 submissions from 2 submitters: Uncertain significance (2). Last evaluated 2022-10-05.

Conditions:
Inborn genetic diseases. Identifiers: MedGen C0950123, MeSH D030342.
CHARGE syndrome (CHARGE). Also called: Hittner Hirsch Kreh syndrome; CHARGE ASSOCIATION--COLOBOMA, HEART ANOMALY, CHOANAL ATRESIA, RETARDATION, GENITAL AND EAR ANOMALIES; Coloboma, heart anomaly, choanal atresia, retardation, genital and ear anomalies; CHARGE association; Hall-Hittner syndrome. Identifiers: Orphanet 138, MedGen C0265354, MONDO:0008965.

Submissions (2):

Labcorp Genetics (formerly Invitae), Labcorp
Classification: Uncertain significance for CHARGE syndrome. Last evaluated: 2022-10-05. Review status: criteria provided, single submitter. Criteria: Invitae Variant Classification Sherloc (09022015). Collection method: clinical testing. Allele origin: germline.
Comment: This sequence change replaces tyrosine, which is neutral and polar, with histidine, which is basic and polar, at codon 1857 of the CHD7 protein (p.Tyr1857His). This variant is not present in population databases (gnomAD no frequency). This variant has not been reported in the literature in individuals affected with CHD7-related conditions. Advanced modeling of protein sequence and biophysical properties (such as structural, functional, and spatial information, amino acid conservation, physicochemical variation, residue mobility, and thermodynamic stability) has been performed at Invitae for this missense variant, however the output from this modeling did not meet the statistical confidence thresholds required to predict the impact of this variant on CHD7 protein function. In summary, the available evidence is currently insufficient to determine the role of this variant in disease. Therefore, it has been classified as a Variant of Uncertain Significance.

Ambry Genetics
Classification: Uncertain significance for Inborn genetic diseases. Last evaluated: 2021-10-12. Review status: criteria provided, single submitter. Criteria: Ambry Variant Classification Scheme 2023. Collection method: clinical testing. Allele origin: germline.

NM_017780.4(CHD7):c.5569T>C (p.Tyr1857His)

Gene: CHD7 (chromodomain helicase DNA binding protein 7; plus strand). Cytogenetic location: 8q12.2.
Variant type: single nucleotide variant.
Coding change: c.5569T>C on transcript NM_017780.4 (MANE Select); coding-DNA position 5569, T replaced by C.
Protein change: p.Tyr1857His; replaces tyrosine 1857 with histidine.
Molecular consequence: missense variant. On other transcripts: intron variant (1).
Genome position (GRCh38, 1-based): chr8:60,851,066, T>C. VCF-style: chr8-60851066-T-C. GRCh37 (hg19) VCF-style: chr8-61763625-T-C.
Other names: c.1717-11163T>C (NM_001316690.1); c.5569T>C (NM_017780.3); short protein forms Y1857H.
Identifiers: ClinVar variation 1721063 (VCV001721063.7), dbSNP rs1439526686, ClinGen allele CA371321998.
Genomic context (GRCh38, chr8:60,851,066, plus strand): 5'-ATAATTTTTGTGTTTGTTTTACATAGGGGAGAATTTGATAGAGAAGATGAAGACCCAGAA[T>C]ATAAACCAACCAGAACACCGTTCAAAGATGAAATAGATGTATGAACTTGAGTATATTGGC-3'
Protein context (NP_060250.2, residues 1847-1867): EFDREDEDPE[Tyr1857His]KPTRTPFKDE